The following is an entry in ClinVar:

NM_032387.5(WNK4):c.2671A>G (p.Thr891Ala)

Gene: WNK4 (WNK lysine deficient protein kinase 4; plus strand). Cytogenetic location: 17q21.2.
Variant type: single nucleotide variant.
Coding change: c.2671A>G on transcript NM_032387.5 (MANE Select); coding-DNA position 2671, A replaced by G.
Protein change: p.Thr891Ala; replaces threonine 891 with alanine.
Molecular consequence: missense variant.
Genome position (GRCh38, 1-based): chr17:42,795,092, A>G. VCF-style: chr17-42795092-A-G. GRCh37 (hg19) VCF-style: chr17-40947110-A-G.
Other names: c.1663A>G, p.Thr555Ala (NM_001321299.2); short protein forms T891A, T555A.
Identifiers: ClinVar variation 2460046 (VCV002460046.4), dbSNP rs141615112, ClinGen allele CA8584419.

ClinVar aggregate classification (germline): Conflicting classifications of pathogenicity. Review status: criteria provided, conflicting classifications (1 of 4 stars). 2 submissions from 2 submitters: Uncertain significance (1); Likely benign (1). Last evaluated 2025-07-12.

Conditions:
Inborn genetic diseases. Identifiers: MedGen C0950123, MeSH D030342.

Allele frequency attached by ClinVar (database versions not stated): ESP Exome Variant Server 0.00062; TOPMed 0.00046; 1000 Genomes Project 30x 0.00047; gnomAD 0.00049; ExAC 0.00013; 1000 Genomes Project 0.00040.
gnomAD v4.1: 131 of 1,613,004 alleles (0.0081%); highest among the groups gnomAD compares: African/African-American, 0.17%; 1 homozygote.

Submissions (2):

Ambry Genetics
Classification: Uncertain significance for Inborn genetic diseases. Last evaluated: 2025-07-12. Review status: criteria provided, single submitter. Criteria: Ambry Variant Classification Scheme 2023. Collection method: clinical testing. Allele origin: germline.

Women's Health and Genetics/Laboratory Corporation of America, LabCorp
Classification: Likely benign. Last evaluated: 2025-06-19. Review status: criteria provided, single submitter. Criteria: LabCorp Variant Classification Summary - May 2015. Collection method: clinical testing. Allele origin: germline.
Comment: Variant summary: WNK4 c.2671A>G (p.Thr891Ala) results in a non-conservative amino acid change in the encoded protein sequence. Algorithms developed to predict the effect of missense changes on protein structure and function are either unavailable or do not agree on the potential impact of this missense change. The variant allele was found at a frequency of 8.2e-05 in 1606034 control chromosomes, predominantly at a frequency of 0.0017 within the African or African-American subpopulation in the gnomAD database, including 1 homozygote. The observed variant frequency within African or African-American control individuals in the gnomAD database exceeds the estimated maximal expected allele frequency for a pathogenic variant in WNK4 causing Pseudohypoaldosteronism Type 2B phenotype. To our knowledge, no occurrence of c.2671A>G in individuals affected with Pseudohypoaldosteronism Type 2B and no experimental evidence demonstrating its impact on protein function have been reported. ClinVar contains an entry for this variant (Variation ID: 2460046). Based on the evidence outlined above, the variant was classified as likely benign.